The following is an entry in ClinVar:

ClinVar aggregate classification (germline): Pathogenic. Review status: reviewed by expert panel (3 of 4 stars). 2 submissions from 2 submitters: Pathogenic (1). 1 of the submissions does not count toward it. Last evaluated 2017-12-15.

Conditions:
Familial cancer of breast. Also called: hereditary breast carcinoma; BREAST CANCER, FAMILIAL; Hereditary breast cancer. Identifiers: Orphanet 227535, MedGen C0346153, MONDO:0016419, OMIM 114480. Disease mechanism: loss of function.
Breast-ovarian cancer, familial, susceptibility to, 1 (BROVCA1). Also called: BRCA1 Hereditary Breast and Ovarian Cancer; OVARIAN CANCER, SUSCEPTIBILITY TO. Identifiers: Orphanet 145, MedGen C2676676, MONDO:0011450, OMIM 604370. Disease mechanism: loss of function.

Submissions (2):

Evidence-based Network for the Interpretation of Germline Mutant Alleles (ENIGMA)
Classification: Pathogenic for Breast-ovarian cancer, familial, susceptibility to, 1. Last evaluated: 2017-12-15. Review status: reviewed by expert panel. Criteria: ENIGMA BRCA1/2 Classification Criteria (2017-06-29). Collection method: curation. Allele origin: germline. Study: ENIGMA.
Comment: Variant allele predicted to encode a truncated non-functional protein.

ClinVar Staff, National Center for Biotechnology Information (NCBI)
No classification provided. Condition: Familial cancer of breast. Review status: no classification provided. Collection method: literature only. Allele origin: germline. Affected: yes. Not counted in ClinVar's aggregate classification.

Literature cited by the submitters: PubMed 16683254 (cited by ClinVar Staff, National Center for Biotechnology Information (NCBI)).

NM_007294.4(BRCA1):c.5369_5385del (p.Ser1790fs)

Gene: BRCA1 (BRCA1 DNA repair associated; minus strand). Cytogenetic location: 17q21.31.
Variant type: Deletion.
Coding change: c.5369_5385del on transcript NM_007294.4 (MANE Select); coding-DNA positions 5369 to 5385, 17 bases deleted (CTGTGGTGAAGGAGCTT).
Protein change: p.Ser1790fs; shifts the reading frame from serine 1790.
Molecular consequence: frameshift variant. On other transcripts: non-coding transcript variant (1), intron variant (1).
Genome position (GRCh38, 1-based): chr17:43,049,142-43,049,158, AAGCTCCTTCACCACAG deleted on the plus strand (CTGTGGTGAAGGAGCTT on the coding strand, the reverse complement: BRCA1 is on the minus strand); deleting any 17 consecutive bases within chr17:43,049,142-43,049,162 gives the same sequence; the c. name uses the placement nearest the transcript's 3' end. VCF-style (leftmost placement, unchanged base first): chr17-43049141-AAAGCTCCTTCACCACAG-A. GRCh37 (hg19) VCF-style: chr17-41201158-AAAGCTCCTTCACCACAG-A.
Other names: c.5369_5385delCTGTGGTGAAGGAGCTT (NM_007294.3); c.1552_1568del17, p.Ser519Phefs (NM_001408512.1); c.1525_1541del17, p.Ser510Phefs (NM_001408513.1); c.1129_1145del17, p.Ser378Phefs (NM_001408514.1); c.5228_5244del, p.Ser1743fs (NM_007297.4); c.2053_2069del17, p.Ser686Phefs (NM_007298.4, NM_007304.2, NM_001407979.1 and 11 more transcripts); c.5432_5448del, p.Ser1811fs (NM_007300.4); c.2021-1455_2021-1439del (NM_007299.4); and 76 more; short protein forms S686fs, S1743fs, S1790fs, S1811fs.
Identifiers: ClinVar variation 55554 (VCV000055554.3), dbSNP rs397509272, ClinGen allele CA003534.